The following is an entry in ClinVar:

ClinVar aggregate classification (germline): Uncertain significance. Review status: criteria provided, multiple submitters, no conflicts (2 of 4 stars). 3 submissions from 3 submitters: Uncertain significance (3). Last evaluated 2024-02-08.

Conditions:
Inborn genetic diseases. Identifiers: MedGen C0950123, MeSH D030342.
Agammaglobulinemia 4, autosomal recessive (AGM4). Also called: AGAMMAGLOBULINEMIA, AUTOSOMAL RECESSIVE, DUE TO BLNK DEFECT; B cell linker protein deficiency. Identifiers: MedGen C3150752, MONDO:0013289, OMIM 613502.

Allele frequency attached by ClinVar (database versions not stated): TOPMed 0.00006; gnomAD exomes 0.00008; ESP Exome Variant Server 0.00015; 1000 Genomes Project 0.00020; 1000 Genomes Project 30x 0.00031.
gnomAD v4.1: 76 of 1,614,228 alleles (0.0047%); highest among the groups gnomAD compares: Admixed American, 0.0017%; no homozygotes.

Submissions (3):

Blueprint Genetics
Classification: Uncertain significance. Last evaluated: 2024-02-08. Review status: criteria provided, single submitter. Criteria: ACMG Guidelines, 2015. Collection method: clinical testing. Allele origin: germline.

Ambry Genetics
Classification: Uncertain significance for Inborn genetic diseases. Last evaluated: 2023-04-18. Review status: criteria provided, single submitter. Criteria: Ambry Variant Classification Scheme 2023. Collection method: clinical testing. Allele origin: germline.

Labcorp Genetics (formerly Invitae), Labcorp
Classification: Uncertain significance for Agammaglobulinemia 4, autosomal recessive. Last evaluated: 2022-04-08. Review status: criteria provided, single submitter. Criteria: Invitae Variant Classification Sherloc (09022015). Collection method: clinical testing. Allele origin: germline.
Comment: This sequence change replaces asparagine, which is neutral and polar, with lysine, which is basic and polar, at codon 91 of the BLNK protein (p.Asn91Lys). This variant is present in population databases (rs200794859, gnomAD 0.2%). This variant has not been reported in the literature in individuals affected with BLNK-related conditions. ClinVar contains an entry for this variant (Variation ID: 1000383). Algorithms developed to predict the effect of missense changes on protein structure and function (SIFT, PolyPhen-2, Align-GVGD) all suggest that this variant is likely to be tolerated. In summary, the available evidence is currently insufficient to determine the role of this variant in disease. Therefore, it has been classified as a Variant of Uncertain Significance.

NM_013314.4(BLNK):c.273C>A (p.Asn91Lys)

Gene: BLNK (B cell linker; minus strand). Cytogenetic location: 10q24.1.
Variant type: single nucleotide variant.
Coding change: c.273C>A on transcript NM_013314.4 (MANE Select); coding-DNA position 273, C replaced by A.
Protein change: p.Asn91Lys; replaces asparagine 91 with lysine.
Molecular consequence: missense variant. On other transcripts: non-coding transcript variant (4).
Genome position (GRCh38, 1-based): chr10:96,227,498, G>T on the plus strand (C>A on the coding strand, the complement: BLNK is on the minus strand). VCF-style: chr10-96227498-G-T. GRCh37 (hg19) VCF-style: chr10-97987254-G-T.
Other names: c.273C>A, p.Asn91Lys (NM_001258441.2, NM_001258442.2, NM_001114094.2 and 1 more transcripts); c.273C>A (NM_013314.3); short protein forms N91K.
Identifiers: ClinVar variation 1000383 (VCV001000383.6), dbSNP rs200794859, ClinGen allele CA5623520.